The following is an entry in ClinVar:

NM_000256.3(MYBPC3):c.1780C>T (p.His594Tyr)

Gene: MYBPC3 (myosin binding protein C3; minus strand). Cytogenetic location: 11p11.2.
Variant type: single nucleotide variant.
Coding change: c.1780C>T on transcript NM_000256.3 (MANE Select); coding-DNA position 1780, C replaced by T.
Protein change: p.His594Tyr; replaces histidine 594 with tyrosine.
Molecular consequence: missense variant.
Genome position (GRCh38, 1-based): chr11:47,342,001, G>A on the plus strand (C>T on the coding strand, the complement: MYBPC3 is on the minus strand). VCF-style: chr11-47342001-G-A. GRCh37 (hg19) VCF-style: chr11-47363552-G-A.
Other names: short protein forms H594Y.
Identifiers: ClinVar variation 1357713 (VCV001357713.8), dbSNP rs2142860104, ClinGen allele CA380324172.

ClinVar aggregate classification (germline): Uncertain significance (1 of 4 stars; one submission).

Conditions:
Hypertrophic cardiomyopathy. Also called: HYPERTROPHIC MYOCARDIOPATHY. Identifiers: Orphanet 217569, MedGen C0007194, MeSH D002312, MONDO:0005045, HP:0001639.

Submission:

Labcorp Genetics (formerly Invitae), Labcorp
Classification: Uncertain significance for Hypertrophic cardiomyopathy. Last evaluated: 2021-05-31. Review status: criteria provided, single submitter. Criteria: Invitae Variant Classification Sherloc (09022015). Collection method: clinical testing. Allele origin: germline.
Comment: This variant has not been reported in the literature in individuals with MYBPC3-related conditions. This variant is not present in population databases (ExAC no frequency). This sequence change replaces histidine with tyrosine at codon 594 of the MYBPC3 protein (p.His594Tyr). The histidine residue is highly conserved and there is a moderate physicochemical difference between histidine and tyrosine. Algorithms developed to predict the effect of missense changes on protein structure and function (SIFT, PolyPhen-2, Align-GVGD) all suggest that this variant is likely to be disruptive, but these predictions have not been confirmed by published functional studies and their clinical significance is uncertain. In summary, the available evidence is currently insufficient to determine the role of this variant in disease. Therefore, it has been classified as a Variant of Uncertain Significance.